The following is an entry in ClinVar:

NM_000414.4(HSD17B4):c.973-10C>T

Gene: HSD17B4 (hydroxysteroid 17-beta dehydrogenase 4; plus strand). Cytogenetic location: 5q23.1.
Variant type: single nucleotide variant.
Coding change: c.973-10C>T on transcript NM_000414.4 (MANE Select); 10 bases into the intron before coding-DNA position 973, C replaced by T.
Molecular consequence: intron variant.
Genome position (GRCh38, 1-based): chr5:119,499,307, C>T. VCF-style: chr5-119499307-C-T. GRCh37 (hg19) VCF-style: chr5-118835002-C-T.
Other names: c.562-10C>T (NM_001374503.1, NM_001374502.1, NM_001374501.1); c.1048-10C>T (NM_001199291.3); c.646-10C>T (NM_001374499.1); c.532-10C>T (NM_001374500.1); c.553-10C>T (NM_001292028.2); c.901-10C>T (NM_001292027.2); c.973-10C>T (NM_001374498.1); c.964-10C>T (NM_001374497.1); and 1 more.
Identifiers: ClinVar variation 4995194 (VCV004995194.1).

ClinVar aggregate classification (germline): Likely benign (1 of 4 stars; one submission).

Conditions:
HSD17B4-related disorder. Also called: HSD17B4-related condition; HSD17B4-related disorders.

gnomAD v4.1: 5 of 1,575,140 alleles (0.00032%); highest among the groups gnomAD compares: Non-Finnish European, 0.00044%; no homozygotes.

Submission:

PreventionGenetics, part of Exact Sciences
Classification: Likely benign for HSD17B4-related condition. Last evaluated: 2026-06-11. Review status: criteria provided, single submitter. Criteria: ACMG Guidelines, 2015. Collection method: clinical testing. Allele origin: germline.
Comment: This variant is classified as likely benign based on ACMG/AMP sequence variant interpretation guidelines (Richards et al. 2015 PMID: 25741868, with internal and published modifications).